The following is an entry in ClinVar:

NM_198253.3(TERT):c.1184A>C (p.Glu395Ala)

Gene: TERT (telomerase reverse transcriptase; minus strand). Cytogenetic location: 5p15.33.
Variant type: single nucleotide variant.
Coding change: c.1184A>C on transcript NM_198253.3 (MANE Select); coding-DNA position 1184, A replaced by C.
Protein change: p.Glu395Ala; replaces glutamic acid 395 with alanine.
Molecular consequence: missense variant. On other transcripts: non-coding transcript variant (2).
Genome position (GRCh38, 1-based): chr5:1,293,702, T>G on the plus strand (A>C on the coding strand, the complement: TERT is on the minus strand). VCF-style: chr5-1293702-T-G. GRCh37 (hg19) VCF-style: chr5-1293817-T-G.
Other names: c.1184A>C, p.Glu395Ala (NM_001193376.3); short protein forms E395A.
Identifiers: ClinVar variation 4865468 (VCV004865468.1).

ClinVar aggregate classification (germline): Uncertain significance (1 of 4 stars; one submission).

Conditions:
Dyskeratosis congenita. Identifiers: Orphanet 1775, MedGen C0265965, MONDO:0015780.

Submission:

Ambry Genetics
Classification: Uncertain significance for Dyskeratosis congenita. Last evaluated: 2026-04-20. Review status: criteria provided, single submitter. Criteria: Ambry Variant Classification Scheme 2023. Collection method: clinical testing. Allele origin: germline.
Comment: The p.E395A variant (also known as c.1184A>C), located in coding exon 2 of the TERT gene, results from an A to C substitution at nucleotide position 1184. The glutamic acid at codon 395 is replaced by alanine, an amino acid with dissimilar properties. This amino acid position is conserved. In addition, the in silico prediction for this alteration is inconclusive. Based on the available evidence, the clinical significance of this variant remains unclear.